The following is an entry in ClinVar:

ClinVar aggregate classification (germline): Uncertain significance. Review status: criteria provided, multiple submitters, no conflicts (2 of 4 stars). 2 submissions from 2 submitters: Uncertain significance (2). Last evaluated 2025-10-31.

Conditions:
Multiple endocrine neoplasia type 4. Also called: MULTIPLE ENDOCRINE NEOPLASIA, TYPE IV. Identifiers: Orphanet 276152, MedGen C1970712, MONDO:0012552, OMIM 610755.
Hereditary cancer-predisposing syndrome. Also called: Neoplastic Syndromes, Hereditary; Hereditary Cancer Syndrome; Hereditary neoplastic syndrome; Tumor predisposition. Identifiers: Orphanet 140162, MedGen C0027672, MeSH D009386, MONDO:0015356.

Allele frequency attached by ClinVar (database versions not stated): ExAC 0.00001.

Submissions (2):

Labcorp Genetics (formerly Invitae), Labcorp
Classification: Uncertain significance for Multiple endocrine neoplasia type 4. Last evaluated: 2025-10-31. Review status: criteria provided, single submitter. Criteria: Invitae Variant Classification Sherloc (09022015). Collection method: clinical testing. Allele origin: germline.
Comment: This sequence change replaces alanine, which is neutral and non-polar, with threonine, which is neutral and polar, at codon 98 of the CDKN1B protein (p.Ala98Thr). This variant is present in population databases (rs749183658, gnomAD 0.003%). This variant has not been reported in the literature in individuals affected with CDKN1B-related conditions. ClinVar contains an entry for this variant (Variation ID: 643333). An algorithm developed to predict the effect of missense changes on protein structure and function (PolyPhen-2) suggests that this variant is likely to be tolerated. In summary, the available evidence is currently insufficient to determine the role of this variant in disease. Therefore, it has been classified as a Variant of Uncertain Significance.

Ambry Genetics
Classification: Uncertain significance for Hereditary cancer-predisposing syndrome. Last evaluated: 2023-10-06. Review status: criteria provided, single submitter. Criteria: Ambry Variant Classification Scheme 2023. Collection method: clinical testing. Allele origin: germline.
Comment: The p.A98T variant (also known as c.292G>A), located in coding exon 1 of the CDKN1B gene, results from a G to A substitution at nucleotide position 292. The alanine at codon 98 is replaced by threonine, an amino acid with similar properties. This amino acid position is conserved. In addition, this alteration is predicted to be tolerated by in silico analysis. Since supporting evidence is limited at this time, the clinical significance of this alteration remains unclear.

NM_004064.5(CDKN1B):c.292G>A (p.Ala98Thr)

Gene: CDKN1B (cyclin dependent kinase inhibitor 1B; plus strand). Cytogenetic location: 12p13.1.
Variant type: single nucleotide variant.
Coding change: c.292G>A on transcript NM_004064.5 (MANE Select); coding-DNA position 292, G replaced by A.
Protein change: p.Ala98Thr; replaces alanine 98 with threonine.
Molecular consequence: missense variant.
Genome position (GRCh38, 1-based): chr12:12,718,131, G>A. VCF-style: chr12-12718131-G-A. GRCh37 (hg19) VCF-style: chr12-12871065-G-A.
Other names: c.292G>A (NM_004064.3); short protein forms A98T.
Identifiers: ClinVar variation 643333 (VCV000643333.9), dbSNP rs749183658, ClinGen allele CA6457452.
Genomic context (GRCh38, chr12:12,718,131, plus strand): 5'-GAGGTGGAGAAGGGCAGCTTGCCCGAGTTCTACTACAGACCCCCGCGGCCCCCCAAAGGT[G>A]CCTGCAAGGTGCCGGCGCAGGAGAGCCAGGATGTCAGCGGGAGCCGCCCGGCGGCGCCTT-3'
Protein context (NP_004055.1, residues 88-108): YYRPPRPPKG[Ala98Thr]CKVPAQESQD